The following is an entry in ClinVar:

NM_001370259.2(MEN1):c.1351-35ACCTTGCTCTC[3]

Gene: MEN1 (menin 1; minus strand). Cytogenetic location: 11q13.1.
Variant type: Microsatellite.
Coding change: c.1351-35ACCTTGCTCTC[3] on transcript NM_001370259.2 (MANE Select); three copies in a row of the 11-base unit ACCTTGCTCTC starting at c.1351-35; the reference has two copies in a row; one copy, 11 bases duplicated.
Molecular consequence: intron variant.
Genome position (GRCh38, 1-based): chr11:64,804,830-64,804,840, GAGAGCAAGGT duplicated on the plus strand (ACCTTGCTCTC on the coding strand, the reverse complement: MEN1 is on the minus strand); duplicating any 11 consecutive bases within chr11:64,804,830-64,804,851 gives the same sequence; the position shown is the placement nearest the transcript's 3' end. VCF-style (leftmost placement, unchanged base first): chr11-64804829-G-GGAGAGCAAGGT. GRCh37 (hg19) VCF-style: chr11-64572301-G-GGAGAGCAAGGT.
Other names: c.1366-35ACCTTGCTCTC[3] (NM_130804.3, NM_130803.3, NM_000244.4 and 3 more transcripts); c.1351-35ACCTTGCTCTC[3] (NM_130799.3, NM_001370260.2, NM_001370261.2); c.1477-35ACCTTGCTCTC[3] (NM_001370251.2); c.1246-35ACCTTGCTCTC[3] (NM_001370263.2, NM_001370262.2).
Identifiers: ClinVar variation 1627640 (VCV001627640.10), dbSNP rs753219137, ClinGen allele CA6082220.

ClinVar aggregate classification (germline): Benign/Likely benign. Review status: criteria provided, multiple submitters, no conflicts (2 of 4 stars). 2 submissions from 2 submitters: Benign (1); Likely benign (1). Last evaluated 2025-10-07.

Conditions:
Multiple endocrine neoplasia, type 1 (MEN1). Also called: MEA I; Endocrine adenomatosis multiple; MEN 1; MEN I; WERMER SYNDROME. Identifiers: Orphanet 652, MedGen C0025267, MeSH D018761, MONDO:0007540, OMIM 131100.

Submissions (2):

Labcorp Genetics (formerly Invitae), Labcorp
Classification: Likely benign for Multiple endocrine neoplasia, type 1. Last evaluated: 2025-10-07. Review status: criteria provided, single submitter. Criteria: Invitae Variant Classification Sherloc (09022015). Collection method: clinical testing. Allele origin: germline.

Myriad Genetics, Inc.
Classification: Benign for Multiple endocrine neoplasia, type 1. Last evaluated: 2024-11-05. Review status: criteria provided, single submitter. Criteria: Myriad Autosomal Dominant, Autosomal Recessive and X-Linked Classification Criteria (2023). Collection method: clinical testing. Allele origin: unknown.
Comment: This variant is considered benign. This variant is intronic and is not expected to impact mRNA splicing.